The following is an entry in ClinVar:

ClinVar aggregate classification (germline): Uncertain significance (1 of 4 stars; one submission).

Allele frequency attached by ClinVar (database versions not stated): ExAC 0.00001; gnomAD 0.00001; TOPMed 0.00001.
gnomAD v4.1: 16 of 1,613,846 alleles (0.00099%); highest among the groups gnomAD compares: Non-Finnish European, 0.0011%; no homozygotes.

Submission:

Labcorp Genetics (formerly Invitae), Labcorp
Classification: Uncertain significance. Last evaluated: 2019-11-27. Review status: criteria provided, single submitter. Criteria: Invitae Variant Classification Sherloc (09022015). Collection method: clinical testing. Allele origin: germline.
Comment: In summary, the available evidence is currently insufficient to determine the role of this variant in disease. Therefore, it has been classified as a Variant of Uncertain Significance. Algorithms developed to predict the effect of missense changes on protein structure and function output the following: SIFT: "Tolerated"; PolyPhen-2: "Benign"; Align-GVGD: "Class C0". The leucine amino acid residue is found in multiple mammalian species, suggesting that this missense change does not adversely affect protein function. These predictions have not been confirmed by published functional studies and their clinical significance is uncertain. This variant has not been reported in the literature in individuals with KIAA1549-related conditions. This variant is present in population databases (rs770001154, ExAC 0.001%). This sequence change replaces glutamine with leucine at codon 430 of the KIAA1549 protein (p.Gln430Leu). The glutamine residue is weakly conserved and there is a moderate physicochemical difference between glutamine and leucine.

NM_001164665.2(KIAA1549):c.1289A>T (p.Gln430Leu)

Gene: KIAA1549 (KIAA1549; minus strand). Cytogenetic location: 7q34.
Variant type: single nucleotide variant.
Coding change: c.1289A>T on transcript NM_001164665.2 (MANE Select); coding-DNA position 1289, A replaced by T.
Protein change: p.Gln430Leu; replaces glutamine 430 with leucine.
Molecular consequence: missense variant.
Genome position (GRCh38, 1-based): chr7:138,918,337, T>A on the plus strand (A>T on the coding strand, the complement: KIAA1549 is on the minus strand). VCF-style: chr7-138918337-T-A. GRCh37 (hg19) VCF-style: chr7-138603083-T-A.
Other names: c.1289A>T, p.Gln430Leu (NM_020910.3); short protein forms Q430L.
Identifiers: ClinVar variation 850445 (VCV000850445.9), dbSNP rs770001154, ClinGen allele CA4506761.